The following is an entry in ClinVar:

NM_000059.4(BRCA2):c.7031T>C (p.Ile2344Thr)

Gene: BRCA2 (BRCA2 DNA repair associated; plus strand). Cytogenetic location: 13q13.1.
Variant type: single nucleotide variant.
Coding change: c.7031T>C on transcript NM_000059.4 (MANE Select); coding-DNA position 7031, T replaced by C.
Protein change: p.Ile2344Thr; replaces isoleucine 2344 with threonine.
Molecular consequence: missense variant.
Genome position (GRCh38, 1-based): chr13:32,354,884, T>C. VCF-style: chr13-32354884-T-C. GRCh37 (hg19) VCF-style: chr13-32929021-T-C.
Other names: short protein forms I2344T.
Identifiers: ClinVar variation 919846 (VCV000919846.12), dbSNP rs1345302151, ClinGen allele CA387738109.

ClinVar aggregate classification (germline): Uncertain significance. Review status: criteria provided, multiple submitters, no conflicts (2 of 4 stars). 2 submissions from 2 submitters: Uncertain significance (2). Last evaluated 2023-12-05.

Conditions:
Hereditary cancer-predisposing syndrome. Also called: Neoplastic Syndromes, Hereditary; Tumor predisposition; Hereditary Cancer Syndrome; Hereditary neoplastic syndrome. Identifiers: Orphanet 140162, MedGen C0027672, MeSH D009386, MONDO:0015356.
Hereditary breast ovarian cancer syndrome. Also called: BRCA1- and BRCA2-Associated Hereditary Breast and Ovarian Cancer; Hereditary breast and ovarian cancer syndrome; Hereditary breast and ovarian cancer; Hereditary breast and ovarian cancer syndrome (HBOC); Breast and ovarian cancer; Hereditary breast and/or ovarian cancer syndrome. Identifiers: Orphanet 145, MedGen C0677776, MeSH D061325, MONDO:0003582. Disease mechanism: loss of function.

Submissions (2):

Color Diagnostics, LLC DBA Color Health
Classification: Uncertain significance for Hereditary cancer-predisposing syndrome. Last evaluated: 2023-12-05. Review status: criteria provided, single submitter. Criteria: ACMG Guidelines, 2015. Collection method: clinical testing. Allele origin: germline.
Comment: This missense variant replaces isoleucine with threonine at codon 2344 of the BRCA2 protein. Computational prediction suggests that this variant may not impact protein structure and function (internally defined REVEL score threshold <= 0.5, PMID: 27666373). To our knowledge, functional studies have not been reported for this variant. This variant has not been reported in individuals affected with BRCA2-related disorders in the literature. This variant has not been identified in the general population by the Genome Aggregation Database (gnomAD). The available evidence is insufficient to determine the role of this variant in disease conclusively. Therefore, this variant is classified as a Variant of Uncertain Significance.

Labcorp Genetics (formerly Invitae), Labcorp
Classification: Uncertain significance for Hereditary breast ovarian cancer syndrome. Last evaluated: 2021-04-26. Review status: criteria provided, single submitter. Criteria: Invitae Variant Classification Sherloc (09022015). Collection method: clinical testing. Allele origin: germline.
Comment: In summary, the available evidence is currently insufficient to determine the role of this variant in disease. Therefore, it has been classified as a Variant of Uncertain Significance. Advanced modeling of protein sequence and biophysical properties (such as structural, functional, and spatial information, amino acid conservation, physicochemical variation, residue mobility, and thermodynamic stability) performed at Invitae indicates that this missense variant is not expected to disrupt BRCA2 protein function. This variant has not been reported in the literature in individuals with BRCA2-related conditions. ClinVar contains an entry for this variant (Variation ID: 919846). This variant is not present in population databases (ExAC no frequency). This sequence change replaces isoleucine with threonine at codon 2344 of the BRCA2 protein (p.Ile2344Thr). The isoleucine residue is weakly conserved and there is a moderate physicochemical difference between isoleucine and threonine.